The following is an entry in ClinVar:

ClinVar aggregate classification (germline): Pathogenic/Likely pathogenic. Review status: criteria provided, multiple submitters, no conflicts (2 of 4 stars). 5 submissions from 5 submitters: Pathogenic (1); Likely pathogenic (4). Last evaluated 2025-06-25.

Conditions:
Pontoneocerebellar hypoplasia. Also called: Pontocerebellar hypoplasia; Non-syndromic pontocerebellar hypoplasia. Identifiers: Orphanet 98523, MedGen C1261175, MONDO:0020135.
Pontocerebellar hypoplasia type 6 (PCH6). Identifiers: Orphanet 166073, MedGen C1969084, MONDO:0012683, OMIM 611523.

Allele frequency attached by ClinVar (database versions not stated): TOPMed below 0.00001.
gnomAD v4.1: 10 of 1,597,524 alleles (0.00063%); highest among the groups gnomAD compares: Non-Finnish European, 0.00077%; no homozygotes.

Submissions (5):

GeneDx
Classification: Likely pathogenic. Last evaluated: 2025-06-25. Review status: criteria provided, single submitter. Criteria: GeneDx Variant Classification Process June 2021. Collection method: clinical testing. Allele origin: germline.
Comment: Canonical splice site variant predicted to result in an in-frame loss of the adjacent exon in a gene for which loss of function is a known mechanism of disease; Not observed at significant frequency in large population cohorts (gnomAD); Has not been previously published as pathogenic or benign to our knowledge

Natera, Inc.
Classification: Likely pathogenic for Pontocerebellar hypoplasia, type 6. Last evaluated: 2025-04-13. Review status: criteria provided, single submitter. Criteria: Natera Variant Classification Schema (03/2026). Collection method: clinical testing. Allele origin: germline.
Comment: The c.297+1G>C variant in RARS2 is a canonical splice donor site variant predicted to affect pre-mRNA splicing, which may result in an abnormal transcript and altered protein product. This variant is expected to result in nonsense mediated decay, truncation, or a dysfunctional protein product. This variant is rare in the general population with a frequency below the threshold expected for the associated phenotype(s). Given the available evidence, this variant is classified as Likely Pathogenic.

Baylor Genetics
Classification: Likely pathogenic for Pontocerebellar hypoplasia type 6. Last evaluated: 2024-02-27. Review status: criteria provided, single submitter. Criteria: ACMG Guidelines, 2015. Collection method: clinical testing. Allele origin: unknown.

Women's Health and Genetics/Laboratory Corporation of America, LabCorp
Classification: Likely pathogenic for Pontoneocerebellar hypoplasia. Last evaluated: 2023-12-13. Review status: criteria provided, single submitter. Criteria: LabCorp Variant Classification Summary - May 2015. Collection method: clinical testing. Allele origin: germline.
Comment: Variant summary: RARS2 c.297+1G>C is located in a canonical splice-site and is predicted to affect mRNA splicing resulting in a significantly altered protein due to either exon skipping, shortening, or inclusion of intronic material. Several computational tools predict a significant impact on normal splicing: Four predict the variant abolishes a canonical 5' splicing donor site. However, these predictions have yet to be confirmed by functional studies. The variant was absent in 251112 control chromosomes (gnomAD). To our knowledge, no occurrence of c.297+1G>C in individuals affected with Pontocerebellar Hypoplasia, Type 6 and no experimental evidence demonstrating its impact on protein function have been reported. No submitters have cited clinical-significance assessments for this variant to ClinVar after 2014. Based on the evidence outlined above, the variant was classified as likely pathogenic.

Labcorp Genetics (formerly Invitae), Labcorp
Classification: Pathogenic. Last evaluated: 2023-06-02. Review status: criteria provided, single submitter. Criteria: Invitae Variant Classification Sherloc (09022015). Collection method: clinical testing. Allele origin: germline.
Comment: For these reasons, this variant has been classified as Pathogenic. Algorithms developed to predict the effect of sequence changes on RNA splicing suggest that this variant may disrupt the consensus splice site. Disruption of this splice site has been observed in individual(s) with pontocerebellar hypoplasia (PMID: 27683254). In at least one individual the data is consistent with being in trans (on the opposite chromosome) from a pathogenic variant. This variant is not present in population databases (gnomAD no frequency). This sequence change affects a donor splice site in intron 4 of the RARS2 gene. It is expected to disrupt RNA splicing. Variants that disrupt the donor or acceptor splice site typically lead to a loss of protein function (PMID: 16199547), and loss-of-function variants in RARS2 are known to be pathogenic (PMID: 17847012, 22569581, 26083569).

Literature cited by the submitters: PubMed 27683254 (cited by Labcorp Genetics (formerly Invitae), Labcorp); PubMed 16199547 (cited by Labcorp Genetics (formerly Invitae), Labcorp); PubMed 17847012 (cited by Labcorp Genetics (formerly Invitae), Labcorp); PubMed 22569581 (cited by Labcorp Genetics (formerly Invitae), Labcorp); PubMed 26083569 (cited by Labcorp Genetics (formerly Invitae), Labcorp).

NM_020320.5(RARS2):c.297+1G>C

Gene: RARS2 (arginyl-tRNA synthetase 2, mitochondrial; minus strand). Cytogenetic location: 6q15.
Variant type: single nucleotide variant.
Coding change: c.297+1G>C on transcript NM_020320.5 (MANE Select); the canonical splice donor site of the intron after coding-DNA position 297, G replaced by C.
Molecular consequence: splice donor variant.
Genome position (GRCh38, 1-based): chr6:87,562,701, C>G on the plus strand (G>C on the coding strand, the complement: RARS2 is on the minus strand). VCF-style: chr6-87562701-C-G. GRCh37 (hg19) VCF-style: chr6-88272419-C-G.
Other names: c.297+1G>C (NM_001350505.2, NM_020320.4); c.-173+1G>C (NM_001350509.2, NM_001318785.2); c.-229+1G>C (NM_001350506.2, NM_001350510.2, NM_001350511.2 and 1 more transcripts); c.-391+1G>C (NM_001350508.2).
Identifiers: ClinVar variation 2678252 (VCV002678252.9), dbSNP rs749630029, ClinGen allele CA364938906.